The following is an entry in ClinVar:

NM_006035.4(CDC42BPB):c.4992C>G (p.Asp1664Glu)

Gene: CDC42BPB (CDC42 binding protein kinase beta; minus strand). Cytogenetic location: 14q32.32.
Variant type: single nucleotide variant.
Coding change: c.4992C>G on transcript NM_006035.4 (MANE Select); coding-DNA position 4992, C replaced by G.
Protein change: p.Asp1664Glu; replaces aspartic acid 1664 with glutamic acid.
Molecular consequence: missense variant.
Genome position (GRCh38, 1-based): chr14:102,938,116, G>C on the plus strand (C>G on the coding strand, the complement: CDC42BPB is on the minus strand). VCF-style: chr14-102938116-G-C. GRCh37 (hg19) VCF-style: chr14-103404453-G-C.
Other names: c.4914C>G, p.Asp1638Glu (NM_001411054.1); short protein forms D1638E, D1664E.
Identifiers: ClinVar variation 3393027 (VCV003393027.1).

ClinVar aggregate classification (germline): Uncertain significance (1 of 4 stars; one submission).

Conditions:
Chilton-Okur-Chung neurodevelopmental syndrome (CHOCNS). Identifiers: MedGen C5677022, MONDO:0859239, OMIM 619841.

Submission:

Department of Human Genetics, Hannover Medical School
Classification: Uncertain significance for Chilton-Okur-Chung neurodevelopmental syndrome. Last evaluated: 2025-01-02. Review status: criteria provided, single submitter. Criteria: ACMG Guidelines, 2015. Collection method: clinical testing. Allele origin: germline. Affected: yes.
Comment: ACMG: PM2_Supporting, PP2, BP4_Moderate